The following is an entry in ClinVar:

ClinVar aggregate classification (germline): Uncertain significance. Review status: criteria provided, multiple submitters, no conflicts (2 of 4 stars). 2 submissions from 2 submitters: Uncertain significance (2). Last evaluated 2025-11-23.

Conditions:
Inborn genetic diseases. Identifiers: MedGen C0950123, MeSH D030342.
Lymphoproliferative syndrome 2 (LPFS2). Also called: Combined immunodeficiency due to CD27 deficiency; CD27 DEFICIENCY. Identifiers: Orphanet 238505, MedGen C3554540, MONDO:0014054, OMIM 615122.

Allele frequency attached by ClinVar (database versions not stated): gnomAD 0.00004 and 0.00005; TOPMed 0.00004; gnomAD exomes 0.00005 and 0.00006; ExAC 0.00006.
gnomAD v4.1: 75 of 1,604,412 alleles (0.0047%); highest among the groups gnomAD compares: East Asian, 0.0067%; no homozygotes.

Submissions (2):

Labcorp Genetics (formerly Invitae), Labcorp
Classification: Uncertain significance for Lymphoproliferative syndrome 2. Last evaluated: 2025-11-23. Review status: criteria provided, single submitter. Criteria: Invitae Variant Classification Sherloc (09022015). Collection method: clinical testing. Allele origin: germline.
Comment: This sequence change replaces arginine, which is basic and polar, with glutamine, which is neutral and polar, at codon 3 of the CD27 protein (p.Arg3Gln). This variant is present in population databases (rs776469650, gnomAD 0.01%). This variant has not been reported in the literature in individuals affected with CD27-related conditions. ClinVar contains an entry for this variant (Variation ID: 1060135). An algorithm developed to predict the effect of missense changes on protein structure and function outputs the following: PolyPhen-2: "Benign". The glutamine amino acid residue is found in multiple mammalian species, which suggests that this missense change does not adversely affect protein function. In summary, the available evidence is currently insufficient to determine the role of this variant in disease. Therefore, it has been classified as a Variant of Uncertain Significance.

Ambry Genetics
Classification: Uncertain significance for Inborn genetic diseases. Last evaluated: 2025-04-19. Review status: criteria provided, single submitter. Criteria: Ambry Variant Classification Scheme 2023. Collection method: clinical testing. Allele origin: germline.

NM_001242.5(CD27):c.8G>A (p.Arg3Gln)

Genes: CD27 (CD27 molecule; plus strand), CD27-AS1 (CD27 antisense RNA 1; minus strand). Cytogenetic location: 12p13.31.
Variant type: single nucleotide variant.
Coding change: c.8G>A on transcript NM_001242.5 (MANE Select); coding-DNA position 8, G replaced by A.
Protein change: p.Arg3Gln; replaces arginine 3 with glutamine.
Molecular consequence: missense variant.
Genome position (GRCh38, 1-based): chr12:6,445,103, G>A. VCF-style: chr12-6445103-G-A. GRCh37 (hg19) VCF-style: chr12-6554269-G-A.
Other names: c.8G>A (NM_001242.4); short protein forms R3Q.
Identifiers: ClinVar variation 1060135 (VCV001060135.6), dbSNP rs776469650, ClinGen allele CA6406853.
Genomic context (GRCh38, chr12:6,445,103, plus strand): 5'-CAGAGGCCAGCATCAGCAACTGGGCACAGAAAGGAGCCGCCTGGGCAGGGACCATGGCAC[G>A]GCCACATCCCTGGTGGCTGTGCGTTCTGGGGACCCTGGTGGGGCTCTCAGCTACTCCAGC-3'
Protein context (NP_001233.2, residues 1-13): MA[Arg3Gln]PHPWWLCVLG